The following is an entry in ClinVar:

ClinVar aggregate classification (germline): Uncertain significance (1 of 4 stars; one submission).

Conditions:
Hereditary cancer-predisposing syndrome. Also called: Hereditary Cancer Syndrome; Hereditary neoplastic syndrome; Neoplastic Syndromes, Hereditary; Tumor predisposition. Identifiers: Orphanet 140162, MedGen C0027672, MeSH D009386, MONDO:0015356.

Submission:

Ambry Genetics
Classification: Uncertain significance for Hereditary cancer-predisposing syndrome. Last evaluated: 2020-07-27. Review status: criteria provided, single submitter. Criteria: Ambry Variant Classification Scheme 2023. Collection method: clinical testing. Allele origin: germline.
Comment: The p.Q1411E variant (also known as c.4231C>G), located in coding exon 29 of the SMARCA4 gene, results from a C to G substitution at nucleotide position 4231. The glutamine at codon 1411 is replaced by glutamic acid, an amino acid with highly similar properties. This amino acid position is on limited sequence alignment. In addition, this alteration is predicted to be tolerated by in silico analysis. Since supporting evidence is limited at this time, the clinical significance of this alteration remains unclear.

NM_001387283.1(SMARCA4):c.4231C>G (p.Gln1411Glu)

Gene: SMARCA4 (SWI/SNF related BAF chromatin remodeling complex subunit ATPase 4; plus strand). Cytogenetic location: 19p13.2.
Variant type: single nucleotide variant.
Coding change: c.4231C>G on transcript NM_001387283.1 (MANE Plus Clinical); coding-DNA position 4231, C replaced by G.
Protein change: p.Gln1411Glu; replaces glutamine 1411 with glutamic acid.
Molecular consequence: missense variant. On other transcripts: intron variant (7).
Genome position (GRCh38, 1-based): chr19:11,039,518, C>G. VCF-style: chr19-11039518-C-G. GRCh37 (hg19) VCF-style: chr19-11150194-C-G.
Other names: c.4231C>G, p.Gln1411Glu (NM_001128849.3); c.4132C>G, p.Gln1378Glu (NM_001411150.1); c.4171-1789C>G (NM_001128844.3, NM_003072.5); c.4072-1789C>G (NM_001128847.4, NM_001374457.1, NM_001128848.2); c.4072-1780C>G (NM_001128845.2, NM_001128846.2); short protein forms Q1411E, Q1378E.
Identifiers: ClinVar variation 1738917 (VCV001738917.2), dbSNP rs2075455200, ClinGen allele CA404071629.